The following is an entry in ClinVar:

NM_001369.3(DNAH5):c.11813_11819del (p.Ile3938fs)

Gene: DNAH5 (dynein axonemal heavy chain 5; minus strand). Cytogenetic location: 5p15.2.
Variant type: Deletion.
Coding change: c.11813_11819del on transcript NM_001369.3 (MANE Select); coding-DNA positions 11813 to 11819, 7 bases deleted (TCCTGGA; older notation c.11813_11819delTCCTGGA).
Protein change: p.Ile3938fs; shifts the reading frame from isoleucine 3938.
Molecular consequence: frameshift variant.
Genome position (GRCh38, 1-based): chr5:13,729,503-13,729,509, TCCAGGA deleted on the plus strand (TCCTGGA on the coding strand, the reverse complement: DNAH5 is on the minus strand); deleting any 7 consecutive bases within chr5:13,729,503-13,729,513 gives the same sequence; the c. name uses the placement nearest the transcript's 3' end. VCF-style (leftmost placement, unchanged base first): chr5-13729502-GTCCAGGA-G. GRCh37 (hg19) VCF-style: chr5-13729611-GTCCAGGA-G.
Other names: short protein forms I3938fs.
Identifiers: ClinVar variation 5013484 (VCV005013484.1).

ClinVar aggregate classification (germline): Pathogenic (1 of 4 stars; one submission).

Conditions:
Primary ciliary dyskinesia 3. Identifiers: Orphanet 244, MedGen C1837618, MONDO:0012085, OMIM 608644.

Submission:

Myriad Genetics, Inc.
Classification: Pathogenic for Primary ciliary dyskinesia 3. Last evaluated: 2024-08-23. Review status: criteria provided, single submitter. Criteria: Myriad Autosomal Dominant, Autosomal Recessive and X-Linked Classification Criteria (2023). Collection method: clinical testing. Allele origin: unknown.
Comment: NM_001369.2(DNAH5):c.11813_11819del7(I3938Tfs*2) is expected to be pathogenic in the context of primary ciliary dyskinesia, DNAH5-related. This variant is predicted to lead to an abnormal or absent protein product due to the creation of a premature termination codon in DNAH5, a gene where loss-of-function variants are known to be pathogenic. Please note: this variant was assessed in the context of healthy population screening.